The following is an entry in ClinVar:

ClinVar aggregate classification (germline): Uncertain significance. Review status: criteria provided, multiple submitters, no conflicts (2 of 4 stars). 2 submissions from 2 submitters: Uncertain significance (2). Last evaluated 2025-07-28.

Conditions:
Hereditary cancer-predisposing syndrome. Also called: Hereditary neoplastic syndrome; Tumor predisposition; Neoplastic Syndromes, Hereditary; Hereditary Cancer Syndrome. Identifiers: Orphanet 140162, MedGen C0027672, MeSH D009386, MONDO:0015356.
Tuberous sclerosis 1 (TSC1). Identifiers: Orphanet 805, MedGen C1854465, MONDO:0008612, OMIM 191100.

Submissions (2):

Ambry Genetics
Classification: Uncertain significance for Hereditary cancer-predisposing syndrome. Last evaluated: 2025-07-28. Review status: criteria provided, single submitter. Criteria: Ambry Variant Classification Scheme 2023. Collection method: clinical testing. Allele origin: germline.
Comment: The p.Y79H variant (also known as c.235T>C), located in coding exon 3 of the TSC1 gene, results from a T to C substitution at nucleotide position 235. The tyrosine at codon 79 is replaced by histidine, an amino acid with similar properties. This amino acid position is conserved. In addition, this alteration is predicted to be tolerated by in silico analysis. Based on the available evidence, the clinical significance of this variant remains unclear.

Labcorp Genetics (formerly Invitae), Labcorp
Classification: Uncertain significance for Tuberous sclerosis 1. Last evaluated: 2019-03-18. Review status: criteria provided, single submitter. Criteria: Invitae Variant Classification Sherloc (09022015). Collection method: clinical testing. Allele origin: germline.
Comment: This variant has not been reported in the literature in individuals with TSC1-related conditions. In summary, the available evidence is currently insufficient to determine the role of this variant in disease. Therefore, it has been classified as a Variant of Uncertain Significance. Algorithms developed to predict the effect of missense changes on protein structure and function output the following: SIFT: "Tolerated"; PolyPhen-2: "Benign"; Align-GVGD: "Class C0". The histidine amino acid residue is found in multiple mammalian species, suggesting that this missense change does not adversely affect protein function. These predictions have not been confirmed by published functional studies and their clinical significance is uncertain. This variant is not present in population databases (ExAC no frequency). This sequence change replaces tyrosine with histidine at codon 79 of the TSC1 protein (p.Tyr79His). The tyrosine residue is weakly conserved and there is a moderate physicochemical difference between tyrosine and histidine.

NM_000368.5(TSC1):c.235T>C (p.Tyr79His)

Gene: TSC1 (TSC complex subunit 1; minus strand). Cytogenetic location: 9q34.13.
Variant type: single nucleotide variant.
Coding change: c.235T>C on transcript NM_000368.5 (MANE Select); coding-DNA position 235, T replaced by C.
Protein change: p.Tyr79His; replaces tyrosine 79 with histidine.
Molecular consequence: missense variant. On other transcripts: 5 prime UTR variant (1), intron variant (1).
Genome position (GRCh38, 1-based): chr9:132,925,715, A>G on the plus strand (T>C on the coding strand, the complement: TSC1 is on the minus strand). VCF-style: chr9-132925715-A-G. GRCh37 (hg19) VCF-style: chr9-135801102-A-G.
Other names: c.235T>C, p.Tyr79His (NM_001162426.2); c.-129T>C (NM_001362177.2); c.210+1486T>C (NM_001162427.2); short protein forms Y79H.
Identifiers: ClinVar variation 857876 (VCV000857876.10), dbSNP rs1846820628, ClinGen allele CA375374777.